The following is an entry in ClinVar:

ClinVar aggregate classification (germline): Uncertain significance (1 of 4 stars; one submission).

Allele frequency attached by ClinVar (database versions not stated): ExAC 0.00003; gnomAD 0.00003; 1000 Genomes Project 30x 0.00016; 1000 Genomes Project 0.00020.
gnomAD v4.1: 12 of 1,613,562 alleles (0.00074%); highest among the groups gnomAD compares: East Asian, 0.022%; no homozygotes.

Submission:

Labcorp Genetics (formerly Invitae), Labcorp
Classification: Uncertain significance. Last evaluated: 2026-01-12. Review status: criteria provided, single submitter. Criteria: Invitae Variant Classification Sherloc (09022015). Collection method: clinical testing. Allele origin: germline.
Comment: This sequence change replaces proline, which is neutral and non-polar, with leucine, which is neutral and non-polar, at codon 359 of the GHRHR protein (p.Pro359Leu). This variant is present in population databases (rs200417925, gnomAD 0.05%). This variant has not been reported in the literature in individuals affected with GHRHR-related conditions. ClinVar contains an entry for this variant (Variation ID: 1899607). Invitae Evidence Modeling of protein sequence and biophysical properties (such as structural, functional, and spatial information, amino acid conservation, physicochemical variation, residue mobility, and thermodynamic stability) indicates that this missense variant is not expected to disrupt GHRHR protein function with a negative predictive value of 80%. In summary, the available evidence is currently insufficient to determine the role of this variant in disease. Therefore, it has been classified as a Variant of Uncertain Significance.

NM_000823.4(GHRHR):c.1076C>T (p.Pro359Leu)

Gene: GHRHR (growth hormone releasing hormone receptor; plus strand). Cytogenetic location: 7p14.3.
Variant type: single nucleotide variant.
Coding change: c.1076C>T on transcript NM_000823.4 (MANE Select); coding-DNA position 1076, C replaced by T.
Protein change: p.Pro359Leu; replaces proline 359 with leucine.
Molecular consequence: missense variant.
Genome position (GRCh38, 1-based): chr7:30,976,530, C>T. VCF-style: chr7-30976530-C-T. GRCh37 (hg19) VCF-style: chr7-31016145-C-T.
Other names: short protein forms P359L.
Identifiers: ClinVar variation 1899607 (VCV001899607.3), dbSNP rs200417925, ClinGen allele CA4208777.